The following is an entry in ClinVar:

ClinVar aggregate classification (germline): Benign/Likely benign. Review status: criteria provided, multiple submitters, no conflicts (2 of 4 stars). 10 submissions from 10 submitters: Benign (4); Likely benign (5). 1 of the submissions does not count toward it. Last evaluated 2026-09-01.

Conditions:
RAB3GAP1-related disorder. Also called: RAB3GAP1-related disorders; RAB3GAP1-related condition.
Warburg micro syndrome 1 (WARBM1). Identifiers: Orphanet 2510, MedGen C1838625, MONDO:0010822, OMIM 600118.
Amenorrhea. Identifiers: MedGen C0002453, MONDO:0001836, HP:0000141.

Allele frequency attached by ClinVar (database versions not stated): 1000 Genomes Project 0.00200; 1000 Genomes Project 30x 0.00219; TOPMed 0.00353; gnomAD 0.00415; gnomAD exomes 0.00430; ExAC 0.00447; ESP Exome Variant Server 0.00454.

Submissions (10):

CeGaT Center for Human Genetics Tuebingen
Classification: Likely benign. Last evaluated: 2026-09-01. Review status: criteria provided, single submitter. Criteria: CeGaT Center For Human Genetics Tuebingen Variant Classification Criteria Version 2. Collection method: clinical testing. Allele origin: germline. Affected: yes. Observed: 46 variant alleles.
Comment: RAB3GAP1: BP4, BS2

PreventionGenetics, part of Exact Sciences
Classification: Likely benign for RAB3GAP1-related condition. Last evaluated: 2026-01-29. Review status: criteria provided, single submitter. Criteria: ACMG Guidelines, 2015. Collection method: clinical testing. Allele origin: germline.
Comment: This variant is classified as likely benign based on ACMG/AMP sequence variant interpretation guidelines (Richards et al. 2015 PMID: 25741868, with internal and published modifications).

Labcorp Genetics (formerly Invitae), Labcorp
Classification: Benign. Last evaluated: 2026-01-26. Review status: criteria provided, single submitter. Criteria: Invitae Variant Classification Sherloc (09022015). Collection method: clinical testing. Allele origin: germline.

Mayo Clinic Laboratories, Mayo Clinic
Classification: Benign. Last evaluated: 2023-06-02. Review status: criteria provided, single submitter. Criteria: ACMG Guidelines, 2015. Collection method: clinical testing. Allele origin: germline. Observed: 7 variant alleles.
Comment: BS1, BS2, BP4

GeneDx
Classification: Benign. Last evaluated: 2020-03-24. Review status: criteria provided, single submitter. Criteria: GeneDx Variant Classification Process June 2021. Collection method: clinical testing. Allele origin: germline. Affected: yes.
Comment: This variant is associated with the following publications: (PMID: 29924831)

Athena Diagnostics
Classification: Benign. Last evaluated: 2018-06-06. Review status: criteria provided, single submitter. Criteria: Athena Diagnostics Criteria. Collection method: clinical testing. Allele origin: germline.

Illumina Laboratory Services, Illumina
Classification: Likely benign for Warburg micro syndrome 1. Last evaluated: 2018-01-12. Review status: criteria provided, single submitter. Criteria: ICSL Variant Classification Criteria 13 December 2019. Collection method: clinical testing. Allele origin: germline.
Comment: This variant was observed in the ICSL laboratory as part of a predisposition screen in an ostensibly healthy population. It had not been previously curated by ICSL or reported in the Human Gene Mutation Database (HGMD: prior to June 1st, 2018), and was therefore a candidate for classification through an automated scoring system. Utilizing variant allele frequency, disease prevalence and penetrance estimates, and inheritance mode, an automated score was calculated to assess if this variant is too frequent to cause the disease. Based on the score and internal cut-off values, a variant classified as likely benign is not then subjected to further curation. The score for this variant resulted in a classification of likely benign for this disease.

Genetic Services Laboratory, University of Chicago
Classification: Likely benign. Last evaluated: 2016-07-20. Review status: criteria provided, single submitter. Criteria: ACMG Guidelines, 2015. Collection method: clinical testing. Allele origin: germline. Affected: no.

Center for Pediatric Genomic Medicine, Children's Mercy Hospital and Clinics
Classification: Likely benign. Last evaluated: 2016-01-29. Review status: criteria provided, single submitter. Criteria: ACMG Guidelines, 2015. Collection method: clinical testing. Allele origin: germline.
ClinVar note: Converted during submission from Likely Benign to Likely benign.

Yale Center for Mendelian Genomics, Yale University
Classification: Uncertain significance for Amenorrhea. Last evaluated: 2021-03-08. Review status: no assertion criteria provided. Collection method: literature only. Allele origin: unknown. Affected: yes. Observed: 3 heterozygotes. Study: Yale Center for Mendelian Genomics. Not counted in ClinVar's aggregate classification.

Literature cited by the submitters: PubMed 32870266 (cited by Yale Center for Mendelian Genomics, Yale University).

NM_012233.3(RAB3GAP1):c.1006C>T (p.Arg336Cys)

Gene: RAB3GAP1 (RAB3 GTPase activating protein catalytic subunit 1; plus strand). Cytogenetic location: 2q21.3.
Variant type: single nucleotide variant.
Coding change: c.1006C>T on transcript NM_012233.3 (MANE Select); coding-DNA position 1006, C replaced by T.
Protein change: p.Arg336Cys; replaces arginine 336 with cysteine.
Molecular consequence: missense variant.
Genome position (GRCh38, 1-based): chr2:135,130,027, C>T. VCF-style: chr2-135130027-C-T. GRCh37 (hg19) VCF-style: chr2-135887597-C-T.
Other names: c.1006C>T, p.Arg336Cys (NM_001172435.2); short protein forms R336C.
Identifiers: ClinVar variation 211978 (VCV000211978.54), dbSNP rs150478342, ClinGen allele CA206629.
Genomic context (GRCh38, chr2:135,130,027, plus strand): 5'-GTCAAAAATAACTTTTTTTCCTACATAGGTGATTTTGTCACTGAATTTTTTAAAATTTGC[C>T]GTCGAAAGGAGTCAACTGATGAGATTCTTGGACGATCTGCATTTGAGGAAGAAGGCAAAG-3'
Protein context (NP_036365.1, residues 326-346): DFVTEFFKIC[Arg336Cys]RKESTDEILG